The following is an entry in ClinVar:

NM_001077350.3(NPRL3):c.730C>T (p.Pro244Ser)

Genes: HBA-LCR (alpha-globin locus control region; plus strand), NPRL3 (NPR3 like, GATOR1 complex subunit; minus strand). Cytogenetic location: 16p13.3.
Variant type: single nucleotide variant.
Coding change: c.730C>T on transcript NM_001077350.3 (MANE Select); coding-DNA position 730, C replaced by T.
Protein change: p.Pro244Ser; replaces proline 244 with serine.
Molecular consequence: missense variant.
Genome position (GRCh38, 1-based): chr16:100,409, G>A on the plus strand (C>T on the coding strand, the complement: NPRL3 is on the minus strand). VCF-style: chr16-100409-G-A. GRCh37 (hg19) VCF-style: chr16-150407-G-A.
Other names: c.193C>T, p.Pro65Ser (NM_001039476.3); c.496C>T, p.Pro166Ser (NM_001243247.2); c.655C>T, p.Pro219Ser (NM_001243248.2, NM_001243249.2); short protein forms P166S, P219S, P244S, P65S.
Identifiers: ClinVar variation 1062129 (VCV001062129.7), dbSNP rs1225559784, ClinGen allele CA393990763.

ClinVar aggregate classification (germline): Uncertain significance (1 of 4 stars; one submission).

Conditions:
Epilepsy, familial focal, with variable foci 3 (FFEVF3). Identifiers: MedGen C4310708, MONDO:0014925, OMIM 617118.

Allele frequency attached by ClinVar (database versions not stated): TOPMed 0.00001.
gnomAD v4.1: 1 of 1,600,998 alleles (0.000062%); highest among the groups gnomAD compares: Non-Finnish European, 0.000085%; no homozygotes.

Submission:

Labcorp Genetics (formerly Invitae), Labcorp
Classification: Uncertain significance for Epilepsy, familial focal, with variable foci 3. Last evaluated: 2020-10-20. Review status: criteria provided, single submitter. Criteria: Invitae Variant Classification Sherloc (09022015). Collection method: clinical testing. Allele origin: germline.
Comment: In summary, the available evidence is currently insufficient to determine the role of this variant in disease. Therefore, it has been classified as a Variant of Uncertain Significance. Experimental studies and prediction algorithms are not available or were not evaluated, and the functional significance of this variant is currently unknown. This variant has not been reported in the literature in individuals with NPRL3-related conditions. This variant is not present in population databases (ExAC no frequency). This sequence change replaces proline with serine at codon 244 of the NPRL3 protein (p.Pro244Ser). The proline residue is moderately conserved and there is a moderate physicochemical difference between proline and serine.